The following is an entry in ClinVar:

NM_001843.4(CNTN1):c.1415ACA[1] (p.Asn473del)

Gene: CNTN1 (contactin 1; plus strand). Cytogenetic location: 12q12.
Variant type: Microsatellite.
Coding change: c.1415ACA[1] on transcript NM_001843.4 (MANE Select); one copy of the 3-base unit ACA starting at c.1415; the reference has two copies in a row; one copy, 3 bases deleted.
Protein change: p.Asn473del; deletes asparagine 473.
Molecular consequence: inframe deletion.
Genome position (GRCh38, 1-based): chr12:40,943,635-40,943,637, ACA deleted; deleting any 3 consecutive bases within chr12:40,943,630-40,943,637 gives the same sequence; the position shown is the placement nearest the transcript's 3' end. VCF-style (leftmost placement, unchanged base first): chr12-40943629-TCAA-T. GRCh37 (hg19) VCF-style: chr12-41337431-TCAA-T.
Other names: c.1415ACA[1], p.Asn473del (NM_001256063.2, NM_001256064.2); c.1382ACA[1], p.Asn462del (NM_175038.2); short protein forms N473del, N462del.
Identifiers: ClinVar variation 1422233 (VCV001422233.6), dbSNP rs2136950735, ClinGen allele CA2580615160.

ClinVar aggregate classification (germline): Uncertain significance (1 of 4 stars; one submission).

Conditions:
Compton-North congenital myopathy (CMYO12). Identifiers: Orphanet 210163, MedGen C2675527, MONDO:0012929, OMIM 612540.

Submission:

Labcorp Genetics (formerly Invitae), Labcorp
Classification: Uncertain significance for Compton-North congenital myopathy. Last evaluated: 2021-08-24. Review status: criteria provided, single submitter. Criteria: Invitae Variant Classification Sherloc (09022015). Collection method: clinical testing. Allele origin: germline.
Comment: In summary, the available evidence is currently insufficient to determine the role of this variant in disease. Therefore, it has been classified as a Variant of Uncertain Significance. Experimental studies and prediction algorithms are not available or were not evaluated, and the functional significance of this variant is currently unknown. This variant has not been reported in the literature in individuals affected with CNTN1-related conditions. This variant is not present in population databases (ExAC no frequency). This variant, c.1418_1420del, results in the deletion of 1 amino acid(s) of the CNTN1 protein (p.Asn473del), but otherwise preserves the integrity of the reading frame.